The following is an entry in ClinVar:

NM_001142966.3(GREB1L):c.16G>A (p.Ala6Thr)

Genes: GREB1L (GREB1 like retinoic acid receptor coactivator; plus strand), GREB1L-AS1 (GREB1L antisense RNA 1; minus strand). Cytogenetic location: 18q11.1.
Variant type: single nucleotide variant.
Coding change: c.16G>A on transcript NM_001142966.3 (MANE Select); coding-DNA position 16, G replaced by A.
Protein change: p.Ala6Thr; replaces alanine 6 with threonine.
Molecular consequence: missense variant.
Genome position (GRCh38, 1-based): chr18:21,383,534, G>A. VCF-style: chr18-21383534-G-A. GRCh37 (hg19) VCF-style: chr18-18963495-G-A.
Other names: c.16G>A, p.Ala6Thr (NM_001410867.1, NM_001410868.1); short protein forms A6T.
Identifiers: ClinVar variation 3350566 (VCV003350566.2).
Genomic context (GRCh38, chr18:21,383,534, plus strand): 5'-ATTTTATCCTTTCTTCTTTTTCTTGGGGATGGGTAGGTGTAGATCATGGGGAATTCATAT[G>A]CTGGGCAACTGAAATCTGCTCGATTTGAGGAAGCTCTCCACAACTCCATAGAAGCCTCCC-3'
Protein context (NP_001136438.1, residues 1-16): MGNSY[Ala6Thr]GQLKSARFEE

ClinVar aggregate classification (germline): Uncertain significance (1 of 4 stars; one submission).

Conditions:
GREB1L-related disorder. Also called: GREB1L-related condition.

gnomAD v4.1: 10 of 1,420,280 alleles (0.0007%); highest among the groups gnomAD compares: Non-Finnish European, 0.00093%; no homozygotes.

Submission:

PreventionGenetics, part of Exact Sciences
Classification: Uncertain significance for GREB1L-related condition. Last evaluated: 2024-11-22. Review status: criteria provided, single submitter. Criteria: ACMG Guidelines, 2015. Collection method: clinical testing. Allele origin: germline.
Comment: The GREB1L c.16G>A variant is predicted to result in the amino acid substitution p.Ala6Thr. To our knowledge, this variant has not been reported in the literature. This variant is reported in 0.0020% of alleles in individuals of European (Non-Finnish) descent in gnomAD. At this time, the clinical significance of this variant is uncertain due to the absence of conclusive functional and genetic evidence.